The following is an entry in ClinVar:

ClinVar aggregate classification (germline): Uncertain significance (1 of 4 stars; one submission).

Allele frequency attached by ClinVar (database versions not stated): gnomAD exomes 0.00001.
gnomAD v4.1: 8 of 1,613,892 alleles (0.0005%); highest among the groups gnomAD compares: Non-Finnish European, 0.00059%; no homozygotes.

Submission:

Labcorp Genetics (formerly Invitae), Labcorp
Classification: Uncertain significance. Last evaluated: 2025-09-07. Review status: criteria provided, single submitter. Criteria: Invitae Variant Classification Sherloc (09022015). Collection method: clinical testing. Allele origin: germline.
Comment: This sequence change replaces aspartic acid, which is acidic and polar, with glutamic acid, which is acidic and polar, at codon 646 of the KCNH1 protein (p.Asp646Glu). This variant is not present in population databases (gnomAD no frequency). This variant has not been reported in the literature in individuals affected with KCNH1-related conditions. ClinVar contains an entry for this variant (Variation ID: 2971315). Invitae Evidence Modeling of protein sequence and biophysical properties (such as structural, functional, and spatial information, amino acid conservation, physicochemical variation, residue mobility, and thermodynamic stability) has been performed for this missense variant. However, the output from this modeling did not meet the statistical confidence thresholds required to predict the impact of this variant on KCNH1 protein function. In summary, the available evidence is currently insufficient to determine the role of this variant in disease. Therefore, it has been classified as a Variant of Uncertain Significance.

NM_172362.3(KCNH1):c.1938T>G (p.Asp646Glu)

Gene: KCNH1 (potassium voltage-gated channel subfamily H member 1; minus strand). Cytogenetic location: 1q32.2.
Variant type: single nucleotide variant.
Coding change: c.1938T>G on transcript NM_172362.3 (MANE Select); coding-DNA position 1938, T replaced by G.
Protein change: p.Asp646Glu; replaces aspartic acid 646 with glutamic acid.
Molecular consequence: missense variant.
Genome position (GRCh38, 1-based): chr1:210,775,522, A>C on the plus strand (T>G on the coding strand, the complement: KCNH1 is on the minus strand). VCF-style: chr1-210775522-A-C. GRCh37 (hg19) VCF-style: chr1-210948864-A-C.
Other names: c.1857T>G, p.Asp619Glu (NM_002238.4); short protein forms D646E, D619E.
Identifiers: ClinVar variation 2971315 (VCV002971315.3), dbSNP rs2526748027, ClinGen allele CA344872258.